The following is an entry in ClinVar:

NM_015073.3(SIPA1L3):c.944G>C (p.Gly315Ala)

Gene: SIPA1L3 (signal induced proliferation associated 1 like 3; plus strand). Cytogenetic location: 19q13.13.
Variant type: single nucleotide variant.
Coding change: c.944G>C on transcript NM_015073.3 (MANE Select); coding-DNA position 944, G replaced by C.
Protein change: p.Gly315Ala; replaces glycine 315 with alanine.
Molecular consequence: missense variant.
Genome position (GRCh38, 1-based): chr19:38,082,509, G>C. VCF-style: chr19-38082509-G-C. GRCh37 (hg19) VCF-style: chr19-38573149-G-C.
Other names: short protein forms G315A.
Identifiers: ClinVar variation 677185 (VCV000677185.10), dbSNP rs10405667, ClinGen allele CA9409241.
Genomic context (GRCh38, chr19:38,082,509, plus strand): 5'-ACACGGTGGACTCGTCCATCTTTCGGAAGCTAAGGAGCAGCAAACCCGAGGGGGAGGCTG[G>C]GCGTTCCCCGGGGGAGGCCGACGAGGGCCGGAGCCCCCCGGAAGCCAGCAGGCCGTGGGT-3'
Protein context (NP_055888.1, residues 305-325): LRSSKPEGEA[Gly315Ala]RSPGEADEGR

ClinVar aggregate classification (germline): Benign. Review status: criteria provided, multiple submitters, no conflicts (2 of 4 stars). 3 submissions from 3 submitters: Benign (3). Last evaluated 2026-01-26.

Allele frequency attached by ClinVar (database versions not stated): ExAC 0.15094; gnomAD 0.16125 and 0.16442; gnomAD exomes 0.13620 and 0.13844; ESP Exome Variant Server 0.14445; 1000 Genomes Project 0.15735; TOPMed 0.16452.
gnomAD v4.1: 224,004 of 1,594,996 alleles (14%); highest among the groups gnomAD compares: African/African-American, 22%; 16,340 homozygotes.

Submissions (3):

Labcorp Genetics (formerly Invitae), Labcorp
Classification: Benign. Last evaluated: 2026-01-26. Review status: criteria provided, single submitter. Criteria: Invitae Variant Classification Sherloc (09022015). Collection method: clinical testing. Allele origin: germline.

GeneDx
Classification: Benign. Last evaluated: 2018-05-31. Review status: criteria provided, single submitter. Criteria: GeneDx Variant Classification (06012015). Collection method: clinical testing. Allele origin: germline. Affected: yes.
Comment: This variant is considered likely benign or benign based on one or more of the following criteria: it is a conservative change, it occurs at a poorly conserved position in the protein, it is predicted to be benign by multiple in silico algorithms, and/or has population frequency not consistent with disease.

Breakthrough Genomics
Classification: Benign. Review status: criteria provided, single submitter. Criteria: ACMG Guidelines, 2015. Collection method: not provided. Allele origin: germline. Inheritance: Autosomal recessive inheritance. Affected: yes.